The following is an entry in ClinVar:

NM_012414.4(RAB3GAP2):c.2212+15A>T

Gene: RAB3GAP2 (RAB3 GTPase activating non-catalytic protein subunit 2; minus strand). Cytogenetic location: 1q41.
Variant type: single nucleotide variant.
Coding change: c.2212+15A>T on transcript NM_012414.4 (MANE Select); 15 bases into the intron after coding-DNA position 2212, A replaced by T.
Molecular consequence: intron variant.
Genome position (GRCh38, 1-based): chr1:220,182,703, T>A on the plus strand (A>T on the coding strand, the complement: RAB3GAP2 is on the minus strand). VCF-style: chr1-220182703-T-A. GRCh37 (hg19) VCF-style: chr1-220356045-T-A.
Identifiers: ClinVar variation 510718 (VCV000510718.10), dbSNP rs375627012, ClinGen allele CA1402491.

ClinVar aggregate classification (germline): Likely benign. Review status: criteria provided, multiple submitters, no conflicts (2 of 4 stars). 4 submissions from 4 submitters: Likely benign (4). Last evaluated 2025-11-17.

Conditions:
Martsolf syndrome (MARTS). Also called: Congenital cataract with intellectual disability and hypogonadotropic hypogonadism syndrome. Identifiers: Orphanet 1387, MedGen C0796037, MONDO:0023910.
Warburg micro syndrome 2 (WARBM2). Also called: MICRO SYNDROME 2. Identifiers: Orphanet 2510, MedGen C3280214, MONDO:0013641, OMIM 614225.

Allele frequency attached by ClinVar (database versions not stated): gnomAD 0.00013; gnomAD exomes 0.00017 and 0.00021; ExAC 0.00021; ESP Exome Variant Server 0.00023; TOPMed 0.00023.
gnomAD v4.1: 265 of 1,543,566 alleles (0.017%); highest among the groups gnomAD compares: Middle Eastern, 0.26%; no homozygotes.

Submissions (4):

Labcorp Genetics (formerly Invitae), Labcorp
Classification: Likely benign for Martsolf syndrome; Warburg micro syndrome 2. Last evaluated: 2025-11-17. Review status: criteria provided, single submitter. Criteria: Invitae Variant Classification Sherloc (09022015). Collection method: clinical testing. Allele origin: germline.

Blueprint Genetics
Classification: Likely benign. Last evaluated: 2024-10-17. Review status: criteria provided, single submitter. Criteria: ACMG Guidelines, 2015. Collection method: clinical testing. Allele origin: germline.

GeneDx
Classification: Likely benign. Last evaluated: 2017-07-11. Review status: criteria provided, single submitter. Criteria: GeneDx Variant Classification (06012015). Collection method: clinical testing. Allele origin: germline. Affected: yes.
Comment: This variant is considered likely benign or benign based on one or more of the following criteria: it is a conservative change, it occurs at a poorly conserved position in the protein, it is predicted to be benign by multiple in silico algorithms, and/or has population frequency not consistent with disease.

Breakthrough Genomics
Classification: Likely benign. Review status: criteria provided, single submitter. Criteria: ACMG Guidelines, 2015. Collection method: not provided. Allele origin: germline. Inheritance: Autosomal recessive inheritance. Affected: yes.